The following is an entry in ClinVar:

ClinVar aggregate classification (germline): Pathogenic. Review status: criteria provided, multiple submitters, no conflicts (2 of 4 stars). 2 submissions from 2 submitters: Pathogenic (2). Last evaluated 2024-05-08.

Conditions:
Galactosylceramide beta-galactosidase deficiency. Also called: Leukodystrophy, Globoid Cell; GALACTOCEREBROSIDASE DEFICIENCY; GALC DEFICIENCY; GLOBOID CELL LEUKOENCEPHALOPATHY; Krabbe Disease. Identifiers: Orphanet 487, MedGen C0023521, MONDO:0009499, OMIM 245200.

Allele frequency attached by ClinVar (database versions not stated): TOPMed below 0.00001.

Submissions (2):

Myriad Genetics, Inc.
Classification: Pathogenic for Galactosylceramide beta-galactosidase deficiency. Last evaluated: 2024-05-08. Review status: criteria provided, single submitter. Criteria: Myriad Autosomal Dominant, Autosomal Recessive and X-Linked Classification Criteria (2023). Collection method: clinical testing. Allele origin: unknown.
Comment: NM_000153.3(GALC):c.1399dupA(T467Nfs*25) is expected to be pathogenic in the context of Krabbe disease. This variant is predicted to lead to an abnormal or absent protein product due to the creation of a premature termination codon in GALC, a gene where loss-of-function variants are known to be pathogenic. Please note: this variant was assessed in the context of healthy population screening.

GeneDx
Classification: Pathogenic. Last evaluated: 2016-12-13. Review status: criteria provided, single submitter. Criteria: GeneDx Variant Classification (06012015). Collection method: clinical testing. Allele origin: germline. Affected: yes.
Comment: The c.1399dupA variant in the GALC gene has not been reported previously as a pathogenic variant nor as a benign variant, to our knowledge. The c.1399dupA variant causes a frameshift starting with codon Threonine 467, changes this amino acid to an Asparagine residue, and creates a premature Stop codon at position 25 of the new reading frame, denoted p.Thr467AsnfsX25. This variant is predicted to cause loss of normal protein function either through protein truncation or nonsense-mediated mRNA decay. The c.1399dupA variant was not observed in approximately 6,300 individuals of European and African American ancestry in the NHLBI Exome Sequencing Project, indicating it is not a common benign variant in these populations. We interpret c.1399dupA as a pathogenic variant.

NM_000153.4(GALC):c.1399dup (p.Thr467fs)

Gene: GALC (galactosylceramidase; minus strand). Cytogenetic location: 14q31.3.
Variant type: Duplication.
Coding change: c.1399dup on transcript NM_000153.4 (MANE Select); coding-DNA position 1399, one base duplicated (A; older notation c.1399dupA).
Protein change: p.Thr467fs; shifts the reading frame from threonine 467.
Molecular consequence: frameshift variant.
Genome position (GRCh38, 1-based): chr14:87,947,818, T duplicated on the plus strand (A on the coding strand, the reverse complement: GALC is on the minus strand). VCF-style (leftmost placement, unchanged base first): chr14-87947817-G-GT. GRCh37 (hg19) VCF-style: chr14-88414161-G-GT.
Other names: c.1330dup, p.Thr444fs (NM_001201401.2); c.1321dup, p.Thr441fs (NM_001201402.2); short protein forms T467fs, T441fs, T444fs.
Identifiers: ClinVar variation 373387 (VCV000373387.3), dbSNP rs1057518390, ClinGen allele CA16042900.